The following is an entry in ClinVar:

ClinVar aggregate classification (germline): Likely pathogenic (1 of 4 stars; one submission).

Conditions:
Developmental and epileptic encephalopathy, 39 (DEE39). Also called: DEVELOPMENTAL AND EPILEPTIC ENCEPHALOPATHY 39 WITH LEUKODYSTROPHY. Identifiers: Orphanet 353217, MedGen C2751855, MONDO:0013056, OMIM 612949.

Submission:

Juno Genomics, Hangzhou Juno Genomics, Inc
Classification: Likely pathogenic for Developmental and epileptic encephalopathy, 39. Review status: criteria provided, single submitter. Criteria: ACMG Guidelines, 2015. Collection method: clinical testing. Allele origin: germline.
Comment: Null variant in a gene where loss of function (LOF) is a known mechanism of disease.;Absent from controls (or at extremely low frequency if recessive) in Genome Aggregation Database.

NM_003705.5(SLC25A12):c.846-1G>A

Gene: SLC25A12 (solute carrier family 25 member 12; minus strand). Cytogenetic location: 2q31.1.
Variant type: single nucleotide variant.
Coding change: c.846-1G>A on transcript NM_003705.5 (MANE Select); the canonical splice acceptor site of the intron before coding-DNA position 846, G replaced by A.
Molecular consequence: splice acceptor variant.
Genome position (GRCh38, 1-based): chr2:171,826,883, C>T on the plus strand (G>A on the coding strand, the complement: SLC25A12 is on the minus strand). VCF-style: chr2-171826883-C-T. GRCh37 (hg19) VCF-style: chr2-172683393-C-T.
Identifiers: ClinVar variation 5006128 (VCV005006128.2).
Genomic context (GRCh38, chr2:171,826,883, plus strand): 5'-TAAGGTAAGGCCCCCTCAGCCAATGGGGCTATTCTCTCAATATCTGCCAAAGTCAAGCGC[C>T]TTCAGGAAAAATATAGGAAAGAATTGTTAGACACTGACAAACTCCTCACGCCAAAATCAT-3'